The following is an entry in ClinVar:

NM_001379500.1(COL18A1):c.1623C>A (p.Gly541=)

Gene: COL18A1 (collagen type XVIII alpha 1 chain; plus strand). Cytogenetic location: 21q22.3.
Variant type: single nucleotide variant.
Coding change: c.1623C>A on transcript NM_001379500.1 (MANE Select); coding-DNA position 1623, C replaced by A.
Protein change: p.Gly541=; no amino-acid change (glycine 541 retained).
Molecular consequence: synonymous variant.
Genome position (GRCh38, 1-based): chr21:45,481,974, C>A. VCF-style: chr21-45481974-C-A. GRCh37 (hg19) VCF-style: chr21-46901888-C-A.
Other names: c.2163C>A, p.Gly721= (NM_030582.4); c.2868C>A, p.Gly956= (NM_130444.3); c.2163C>A (NM_030582.3).
Identifiers: ClinVar variation 1588082 (VCV001588082.10), dbSNP rs376461054, ClinGen allele CA10066429.

ClinVar aggregate classification (germline): Likely benign. Review status: criteria provided, multiple submitters, no conflicts (2 of 4 stars). 3 submissions from 3 submitters: Likely benign (3). Last evaluated 2025-11-20.

Conditions:
COL18A1-related disorder. Also called: COL18A1-related condition; COL18A1-related disorders.

Allele frequency attached by ClinVar (database versions not stated): ESP Exome Variant Server 0.00008; 1000 Genomes Project 0.00020; 1000 Genomes Project 30x 0.00047.
gnomAD v4.1: 38 of 1,612,824 alleles (0.0024%); highest among the groups gnomAD compares: African/African-American, 0.023%; no homozygotes.

Submissions (3):

Labcorp Genetics (formerly Invitae), Labcorp
Classification: Likely benign. Last evaluated: 2025-11-20. Review status: criteria provided, single submitter. Criteria: Invitae Variant Classification Sherloc (09022015). Collection method: clinical testing. Allele origin: germline.

PreventionGenetics, part of Exact Sciences
Classification: Likely benign for COL18A1-related condition. Last evaluated: 2025-03-20. Review status: criteria provided, single submitter. Criteria: ACMG Guidelines, 2015. Collection method: clinical testing. Allele origin: germline.
Comment: This variant is classified as likely benign based on ACMG/AMP sequence variant interpretation guidelines (Richards et al. 2015 PMID: 25741868, with internal and published modifications).

Blueprint Genetics
Classification: Likely benign. Last evaluated: 2024-08-15. Review status: criteria provided, single submitter. Criteria: ACMG Guidelines, 2015. Collection method: clinical testing. Allele origin: germline.